The following is an entry in ClinVar:

ClinVar aggregate classification (germline): Uncertain significance (1 of 4 stars; one submission).

Conditions:
CHARGE syndrome (CHARGE). Also called: Hittner Hirsch Kreh syndrome; CHARGE ASSOCIATION--COLOBOMA, HEART ANOMALY, CHOANAL ATRESIA, RETARDATION, GENITAL AND EAR ANOMALIES; Coloboma, heart anomaly, choanal atresia, retardation, genital and ear anomalies; CHARGE association; Hall-Hittner syndrome. Identifiers: Orphanet 138, MedGen C0265354, MONDO:0008965.

Submission:

Labcorp Genetics (formerly Invitae), Labcorp
Classification: Uncertain significance for CHARGE syndrome. Last evaluated: 2025-03-20. Review status: criteria provided, single submitter. Criteria: Invitae Variant Classification Sherloc (09022015). Collection method: clinical testing. Allele origin: germline.
Comment: This sequence change replaces tyrosine, which is neutral and polar, with phenylalanine, which is neutral and non-polar, at codon 313 of the CHD7 protein (p.Tyr313Phe). This variant is not present in population databases (gnomAD no frequency). This variant has not been reported in the literature in individuals affected with CHD7-related conditions. Invitae Evidence Modeling of protein sequence and biophysical properties (such as structural, functional, and spatial information, amino acid conservation, physicochemical variation, residue mobility, and thermodynamic stability) indicates that this missense variant is not expected to disrupt CHD7 protein function with a negative predictive value of 95%. In summary, the available evidence is currently insufficient to determine the role of this variant in disease. Therefore, it has been classified as a Variant of Uncertain Significance.

NM_017780.4(CHD7):c.938A>T (p.Tyr313Phe)

Gene: CHD7 (chromodomain helicase DNA binding protein 7; plus strand). Cytogenetic location: 8q12.2.
Variant type: single nucleotide variant.
Coding change: c.938A>T on transcript NM_017780.4 (MANE Select); coding-DNA position 938, A replaced by T.
Protein change: p.Tyr313Phe; replaces tyrosine 313 with phenylalanine.
Molecular consequence: missense variant.
Genome position (GRCh38, 1-based): chr8:60,742,370, A>T. VCF-style: chr8-60742370-A-T. GRCh37 (hg19) VCF-style: chr8-61654929-A-T.
Other names: c.938A>T, p.Tyr313Phe (NM_001316690.1); short protein forms Y313F.
Identifiers: ClinVar variation 4743654 (VCV004743654.1).